The following is an entry in ClinVar:

NM_000257.4(MYH7):c.3832G>A (p.Ala1278Thr)

Gene: MYH7 (myosin heavy chain 7; minus strand). Cytogenetic location: 14q11.2.
Variant type: single nucleotide variant.
Coding change: c.3832G>A on transcript NM_000257.4 (MANE Select); coding-DNA position 3832, G replaced by A.
Protein change: p.Ala1278Thr; replaces alanine 1278 with threonine.
Molecular consequence: missense variant.
Genome position (GRCh38, 1-based): chr14:23,419,504, C>T on the plus strand (G>A on the coding strand, the complement: MYH7 is on the minus strand). VCF-style: chr14-23419504-C-T. GRCh37 (hg19) VCF-style: chr14-23888713-C-T.
Other names: c.3832G>A, p.Ala1278Thr (NM_001407004.1); short protein forms A1278T.
Identifiers: ClinVar variation 3400927 (VCV003400927.1).
Genomic context (GRCh38, chr14:23,419,504, plus strand): 5'-ACTGTGGTGGGAACCATGGAGCCCCTGCTCTAGGCTCACCATTCTCGGTTTGCAACTTGG[C>T]CCGCTGGCTGGTGAGGTCGTTGACAGAACGCTGGGTCTCCTCCGCCTTGCTCCGGTGCTC-3'
Protein context (NP_000248.2, residues 1268-1288): RSVNDLTSQR[Ala1278Thr]KLQTENGELS

ClinVar aggregate classification (germline): Uncertain significance (1 of 4 stars; one submission).

Conditions:
Cardiovascular phenotype. Identifiers: MedGen CN230736.

gnomAD v4.1: 1 of 1,614,076 alleles (0.000062%); highest among the groups gnomAD compares: Non-Finnish European, 0.000085%; no homozygotes.

Submission:

Ambry Genetics
Classification: Uncertain significance for Cardiovascular phenotype. Last evaluated: 2024-07-23. Review status: criteria provided, single submitter. Criteria: Ambry Variant Classification Scheme 2023. Collection method: clinical testing. Allele origin: germline.
Comment: The p.A1278T variant (also known as c.3832G>A), located in coding exon 26 of the MYH7 gene, results from a G to A substitution at nucleotide position 3832. The alanine at codon 1278 is replaced by threonine, an amino acid with similar properties. This amino acid position is highly conserved in available vertebrate species. In addition, the in silico prediction for this alteration is inconclusive. Based on the available evidence, the clinical significance of this variant remains unclear.